The following is an entry in ClinVar:

ClinVar aggregate classification (germline): Uncertain significance (1 of 4 stars; one submission).

Submission:

GeneDx
Classification: Uncertain significance. Last evaluated: 2020-06-25. Review status: criteria provided, single submitter. Criteria: GeneDx Variant Classification Process June 2021. Collection method: clinical testing. Allele origin: germline. Affected: yes.
Comment: Has not been previously published as pathogenic or benign to our knowledge; Not observed in large population cohorts (Lek et al., 2016); Frameshift variant predicted to result in protein truncation or nonsense mediated decay in a region of the TTN gene for which loss-of-function is not a well established mechanism of disease; Not located in the A-band nor the M-line region of titin, where the majority of pathogenic truncating variants have been reported

NM_001267550.2(TTN):c.34422del (p.Lys11476fs)

Gene: TTN (titin; minus strand). Cytogenetic location: 2q31.2.
Variant type: Deletion.
Coding change: c.34422del on transcript NM_001267550.2 (MANE Select); coding-DNA position 34422, one base deleted (T; older notation c.34422delT).
Protein change: p.Lys11476fs; shifts the reading frame from lysine 11476.
Molecular consequence: frameshift variant. On other transcripts: intron variant (3).
Genome position (GRCh38, 1-based): chr2:178,675,952, A deleted on the plus strand (T on the coding strand, the reverse complement: TTN is on the minus strand); the first of 2 consecutive A bases (chr2:178,675,952-178,675,953); deleting either gives the same sequence. VCF-style (leftmost placement, unchanged base first): chr2-178675951-GA-G. GRCh37 (hg19) VCF-style: chr2-179540678-GA-G.
Other names: c.33384del, p.Lys11130fs (NM_001256850.1); c.30603del, p.Lys10203fs (NM_133378.4); c.13283-33635del (NM_003319.4); c.13859-33635del (NM_133437.4); c.13658-33635del (NM_133432.3); short protein forms K10203fs, K11130fs, K11476fs.
Identifiers: ClinVar variation 1306635 (VCV001306635.2), dbSNP rs2154267437, ClinGen allele CA2573051795.
Genomic context (GRCh38, chr2:178,675,951, plus strand): 5'-ATAGTCTAATTTACTTCGGAATAGCAATACCTTTGGCAGGGGGAGCCTCCTCTTTCTTGG[GA>G]ATGACCACTTTCTTCTCTGTCACTTTCTTCTTAATTTCAGGCACTTTAAAGACATCATTT-3'